The following is an entry in ClinVar:

NM_194248.3(OTOF):c.2025G>A (p.Glu675=)

Gene: OTOF (otoferlin; minus strand). Cytogenetic location: 2p23.3.
Variant type: single nucleotide variant.
Coding change: c.2025G>A on transcript NM_194248.3 (MANE Select); coding-DNA position 2025, G replaced by A.
Protein change: p.Glu675=; no amino-acid change (glutamic acid 675 retained).
Molecular consequence: synonymous variant.
Genome position (GRCh38, 1-based): chr2:26,479,541, C>T on the plus strand (G>A on the coding strand, the complement: OTOF is on the minus strand). VCF-style: chr2-26479541-C-T. GRCh37 (hg19) VCF-style: chr2-26702409-C-T.
Other names: p.Glu675=; c.2025G>A, p.Glu675= (NM_001287489.2).
Identifiers: ClinVar variation 21830 (VCV000021830.49), dbSNP rs61746988, ClinGen allele CA142778.

ClinVar aggregate classification (germline): Benign/Likely benign. Review status: criteria provided, multiple submitters, no conflicts (2 of 4 stars). 11 submissions from 11 submitters: Benign (5); Likely benign (3). 3 of the submissions do not count toward it. Last evaluated 2026-08-01.

Conditions:
Autosomal recessive nonsyndromic hearing loss 9. Also called: Deafness, autosomal recessive 9; AUDITORY NEUROPATHY, AUTOSOMAL RECESSIVE, 1, TEMPERATURE-SENSITIVE; NEUROSENSORY NONSYNDROMIC RECESSIVE DEAFNESS 9; OTOF-Related Hearing Loss. Identifiers: Orphanet 90636, MedGen C1832828, MONDO:0010986, OMIM 601071.

Allele frequency attached by ClinVar (database versions not stated): gnomAD 0.00782 and 0.00801; ESP Exome Variant Server 0.00809; gnomAD exomes 0.00870 and 0.00793; 1000 Genomes Project 0.00399; 1000 Genomes Project 30x 0.00406; ExAC 0.00932; TOPMed 0.00667.
gnomAD v4.1: 13,944 of 1,611,448 alleles (0.87%); highest among the groups gnomAD compares: Middle Eastern, 1.7%; 88 homozygotes.

Submissions (11):

CeGaT Center for Human Genetics Tuebingen
Classification: Likely benign. Last evaluated: 2026-08-01. Review status: criteria provided, single submitter. Criteria: CeGaT Center For Human Genetics Tuebingen Variant Classification Criteria Version 2. Collection method: clinical testing. Allele origin: germline. Affected: yes. Observed: 14 variant alleles.
Comment: OTOF: BP4, BP7, BS2

Labcorp Genetics (formerly Invitae), Labcorp
Classification: Benign. Last evaluated: 2026-01-28. Review status: criteria provided, single submitter. Criteria: Invitae Variant Classification Sherloc (09022015). Collection method: clinical testing. Allele origin: germline.

Mayo Clinic Laboratories, Mayo Clinic
Classification: Benign. Last evaluated: 2024-11-26. Review status: criteria provided, single submitter. Criteria: ACMG Guidelines, 2015. Collection method: clinical testing. Allele origin: germline. Observed: 1 variant allele.
Comment: BA1, BS2, BP4, BP7

Athena Diagnostics
Classification: Benign. Last evaluated: 2019-07-26. Review status: criteria provided, single submitter. Criteria: Athena Diagnostics Criteria. Collection method: clinical testing. Allele origin: germline.

GeneDx
Classification: Benign. Last evaluated: 2019-05-15. Review status: criteria provided, single submitter. Criteria: GeneDx Variant Classification Process June 2021. Collection method: clinical testing. Allele origin: germline. Affected: yes.
Comment: This variant is associated with the following publications: (PMID: 16371502)

Illumina Laboratory Services, Illumina
Classification: Likely benign for Autosomal recessive nonsyndromic hearing loss 9. Last evaluated: 2017-04-27. Review status: criteria provided, single submitter. Criteria: ICSL Variant Classification Criteria 13 December 2019. Collection method: clinical testing. Allele origin: germline.
Comment: This variant was observed as part of a predisposition screen in an ostensibly healthy population. A literature search was performed for the gene, cDNA change, and amino acid change (where applicable). Publications were found based on this search. The evidence from the literature, in combination with allele frequency data from public databases where available, was sufficient to determine this variant is unlikely to cause disease. Therefore, this variant is classified as likely benign.

Laboratory for Molecular Medicine, Mass General Brigham Personalized Medicine
Classification: Benign. Last evaluated: 2010-02-11. Review status: criteria provided, single submitter. Criteria: LMM Criteria. Collection method: clinical testing. Allele origin: germline. Observed: 41 variant alleles.

Breakthrough Genomics
Classification: Likely benign. Review status: criteria provided, single submitter. Criteria: ACMG Guidelines, 2015. Collection method: not provided. Allele origin: germline. Inheritance: Autosomal recessive inheritance. Affected: yes.

Clinical Genetics DNA and cytogenetics Diagnostics Lab, Erasmus MC, Erasmus Medical Center
Classification: Likely benign. Review status: no assertion criteria provided. Collection method: clinical testing. Allele origin: germline. Affected: yes. Study: VKGL Data-share Consensus. Not counted in ClinVar's aggregate classification.

GeneReviews
No classification provided. Condition: Autosomal recessive nonsyndromic hearing loss 9. Review status: no classification provided. Collection method: literature only. Allele origin: unknown. Not counted in ClinVar's aggregate classification.

Joint Genome Diagnostic Labs from Nijmegen and Maastricht, Radboudumc and MUMC+
Classification: Benign. Review status: no assertion criteria provided. Collection method: clinical testing. Allele origin: germline. Affected: yes. Study: VKGL Data-share Consensus. Not counted in ClinVar's aggregate classification.

Literature cited by the submitters: PubMed 16371502 (cited by 3 submitters); PubMed 20301429 (cited by GeneReviews); NCBI Bookshelf NBK1251 (cited by GeneReviews).